The following is an entry in ClinVar:

ClinVar aggregate classification (germline): Uncertain significance (1 of 4 stars; one submission).

Allele frequency attached by ClinVar (database versions not stated): gnomAD 0.00001; 1000 Genomes Project 30x 0.00016; 1000 Genomes Project 0.00020.
gnomAD v4.1: 1 of 1,536,234 alleles (0.000065%); highest among the groups gnomAD compares: South Asian, 0.0012%; no homozygotes.

Submission:

Labcorp Genetics (formerly Invitae), Labcorp
Classification: Uncertain significance. Last evaluated: 2023-07-22. Review status: criteria provided, single submitter. Criteria: Invitae Variant Classification Sherloc (09022015). Collection method: clinical testing. Allele origin: germline.
Comment: In summary, the available evidence is currently insufficient to determine the role of this variant in disease. Therefore, it has been classified as a Variant of Uncertain Significance. An algorithm developed to predict the effect of missense changes on protein structure and function (PolyPhen-2) suggests that this variant is likely to be tolerated. This variant has not been reported in the literature in individuals affected with GCGR-related conditions. This variant is not present in population databases (gnomAD no frequency). This sequence change replaces valine, which is neutral and non-polar, with methionine, which is neutral and non-polar, at codon 134 of the GCGR protein (p.Val134Met).

NM_000160.5(GCGR):c.400G>A (p.Val134Met)

Gene: GCGR (glucagon receptor; plus strand). Cytogenetic location: 17q25.3.
Variant type: single nucleotide variant.
Coding change: c.400G>A on transcript NM_000160.5 (MANE Select); coding-DNA position 400, G replaced by A.
Protein change: p.Val134Met; replaces valine 134 with methionine.
Molecular consequence: missense variant.
Genome position (GRCh38, 1-based): chr17:81,811,228, G>A. VCF-style: chr17-81811228-G-A. GRCh37 (hg19) VCF-style: chr17-79769104-G-A.
Other names: short protein forms V134M.
Identifiers: ClinVar variation 2743385 (VCV002743385.3), dbSNP rs555106408, ClinGen allele CA295099693.